The following is an entry in ClinVar:

NM_144498.4(OSBPL2):c.1248G>A (p.Met416Ile)

Gene: OSBPL2 (oxysterol binding protein like 2; plus strand). Cytogenetic location: 20q13.33.
Variant type: single nucleotide variant.
Coding change: c.1248G>A on transcript NM_144498.4 (MANE Select); coding-DNA position 1248, G replaced by A.
Protein change: p.Met416Ile; replaces methionine 416 with isoleucine.
Molecular consequence: missense variant. On other transcripts: intron variant (1).
Genome position (GRCh38, 1-based): chr20:62,289,329, G>A. VCF-style: chr20-62289329-G-A. GRCh37 (hg19) VCF-style: chr20-60864385-G-A.
Other names: c.972G>A, p.Met324Ile (NM_001363878.2); c.1212G>A, p.Met404Ile (NM_014835.5); c.850-2374G>A (NM_001278649.3); short protein forms M404I, M416I, M324I.
Identifiers: ClinVar variation 2716684 (VCV002716684.3), dbSNP rs1426645697, ClinGen allele CA409520809.

ClinVar aggregate classification (germline): Uncertain significance (1 of 4 stars; one submission).

Allele frequency attached by ClinVar (database versions not stated): gnomAD exomes below 0.00001; TOPMed 0.00001.
gnomAD v4.1: 1 of 1,612,392 alleles (0.000062%); highest among the groups gnomAD compares: Admixed American, 0.0017%; no homozygotes.

Submission:

Labcorp Genetics (formerly Invitae), Labcorp
Classification: Uncertain significance. Last evaluated: 2023-11-17. Review status: criteria provided, single submitter. Criteria: Invitae Variant Classification Sherloc (09022015). Collection method: clinical testing. Allele origin: germline.
Comment: This sequence change replaces methionine, which is neutral and non-polar, with isoleucine, which is neutral and non-polar, at codon 416 of the OSBPL2 protein (p.Met416Ile). The frequency data for this variant in the population databases is considered unreliable, as metrics indicate poor data quality at this position in the gnomAD database. This variant has not been reported in the literature in individuals affected with OSBPL2-related conditions. An algorithm developed to predict the effect of missense changes on protein structure and function (PolyPhen-2) suggests that this variant is likely to be tolerated. In summary, the available evidence is currently insufficient to determine the role of this variant in disease. Therefore, it has been classified as a Variant of Uncertain Significance.